The following is an entry in ClinVar:

ClinVar aggregate classification (germline): Conflicting classifications of pathogenicity. Review status: criteria provided, conflicting classifications (1 of 4 stars). 3 submissions from 3 submitters: Uncertain significance (2); Likely benign (1). Last evaluated 2026-05-28.

Conditions:
TTN-related disorder. Also called: TTN-related condition; TTN-related disease; TTN-related disorders.

Allele frequency attached by ClinVar (database versions not stated): gnomAD 0.00001; gnomAD exomes 0.00002; TOPMed 0.00002; ExAC 0.00004.
gnomAD v4.1: 34 of 1,612,644 alleles (0.0021%); highest among the groups gnomAD compares: Middle Eastern, 0.033%; no homozygotes.

Submissions (3):

PreventionGenetics, part of Exact Sciences
Classification: Uncertain significance for TTN-related condition. Last evaluated: 2026-05-28. Review status: criteria provided, single submitter. Criteria: ACMG Guidelines, 2015. Collection method: clinical testing. Allele origin: germline.
Comment: The TTN c.89645G>A variant is predicted to result in the amino acid substitution p.Ser29882Asn. To our knowledge, this variant has not been reported in the literature. This variant is reported in 0.012% of alleles in individuals of Latino descent in gnomAD. At this time, the clinical significance of this variant is uncertain due to the absence of conclusive functional and genetic evidence.

Mayo Clinic Laboratories, Mayo Clinic
Classification: Uncertain significance. Last evaluated: 2025-08-29. Review status: criteria provided, single submitter. Criteria: ACMG Guidelines, 2015. Collection method: clinical testing. Allele origin: germline. Observed: 2 variant alleles.
Comment: BP4

GeneDx
Classification: Likely benign. Last evaluated: 2017-11-14. Review status: criteria provided, single submitter. Criteria: GeneDx Variant Classification (06012015). Collection method: clinical testing. Allele origin: germline. Affected: yes.
Comment: This variant is considered likely benign or benign based on one or more of the following criteria: it is a conservative change, it occurs at a poorly conserved position in the protein, it is predicted to be benign by multiple in silico algorithms, and/or has population frequency not consistent with disease.

NM_001267550.2(TTN):c.89645G>A (p.Ser29882Asn)

Genes: TTN (titin; minus strand), TTN-AS1 (TTN antisense RNA 1; plus strand). Cytogenetic location: 2q31.2.
Variant type: single nucleotide variant.
Coding change: c.89645G>A on transcript NM_001267550.2 (MANE Select); coding-DNA position 89645, G replaced by A.
Protein change: p.Ser29882Asn; replaces serine 29882 with asparagine.
Molecular consequence: missense variant.
Genome position (GRCh38, 1-based): chr2:178,553,255, C>T on the plus strand (G>A on the coding strand, the complement: TTN is on the minus strand). VCF-style: chr2-178553255-C-T. GRCh37 (hg19) VCF-style: chr2-179417982-C-T.
Other names: p.Ser28241Asn; c.84722G>A, p.Ser28241Asn (NM_001256850.1); c.62450G>A, p.Ser20817Asn (NM_003319.4); c.81941G>A, p.Ser27314Asn (NM_133378.4); c.62825G>A, p.Ser20942Asn (NM_133432.3); c.63026G>A, p.Ser21009Asn (NM_133437.4); short protein forms S28241N, S29882N, S21009N, S20817N, S27314N, S20942N.
Identifiers: ClinVar variation 516278 (VCV000516278.4), dbSNP rs755022770, ClinGen allele CA1987886.